The following is an entry in ClinVar:

ClinVar aggregate classification (germline): Uncertain significance (1 of 4 stars; one submission).

Submission:

GeneDx
Classification: Uncertain significance. Last evaluated: 2024-08-22. Review status: criteria provided, single submitter. Criteria: GeneDx Variant Classification Process June 2021. Collection method: clinical testing. Allele origin: germline. Affected: yes.
Comment: Not observed at significant frequency in large population cohorts (gnomAD); In silico analysis indicates that this missense variant does not alter protein structure/function; Has not been previously published as pathogenic or benign to our knowledge

NM_022455.5(NSD1):c.10A>C (p.Thr4Pro)

Gene: NSD1 (nuclear receptor binding SET domain protein 1; plus strand). Cytogenetic location: 5q35.3.
Variant type: single nucleotide variant.
Coding change: c.10A>C on transcript NM_022455.5 (MANE Select); coding-DNA position 10, A replaced by C.
Protein change: p.Thr4Pro; replaces threonine 4 with proline.
Molecular consequence: missense variant. On other transcripts: 5 prime UTR variant (7).
Genome position (GRCh38, 1-based): chr5:177,135,113, A>C. VCF-style: chr5-177135113-A-C. GRCh37 (hg19) VCF-style: chr5-176562114-A-C.
Other names: c.-124A>C (NM_001365684.2, NM_001409305.1, NM_001409306.1 and 4 more transcripts); c.10A>C, p.Thr4Pro (NM_001409301.1, NM_001409302.1, NM_001409303.1 and 1 more transcripts); short protein forms T4P.
Identifiers: ClinVar variation 3764134 (VCV003764134.1).